The following is an entry in ClinVar:

NM_000077.5(CDKN2A):c.197dup (p.His66fs)

Gene: CDKN2A (cyclin dependent kinase inhibitor 2A; minus strand). Cytogenetic location: 9p21.3.
Variant type: Duplication.
Coding change: c.197dup on transcript NM_000077.5; coding-DNA position 197, one base duplicated (A; older notation c.197dupA).
Protein change: p.His66fs; shifts the reading frame from histidine 66.
Molecular consequence: frameshift variant (on NM_000077.4). On other transcripts: 3 prime UTR variant (1).
Genome position (GRCh38, 1-based): chr9:21,971,162, T duplicated on the plus strand (A on the coding strand, the reverse complement: CDKN2A is on the minus strand). VCF-style (leftmost placement, unchanged base first): chr9-21971161-G-GT. GRCh37 (hg19) VCF-style: chr9-21971160-G-GT.
Other names: c.197dupA (NM_000077.4); c.197dup, p.His66Glnfs (NM_000077.6); c.197dup, p.His66fs (NM_001195132.2); c.44dup, p.His15fs (NM_001363763.2); c.240dup, p.Arg81fs (NM_058195.4); c.*120dup (NM_058197.5); short protein forms H15fs, R81fs, H66fs.
Identifiers: ClinVar variation 571109 (VCV000571109.8), dbSNP rs1563889847, ClinGen allele CA891842867.

ClinVar aggregate classification (germline): Pathogenic (1 of 4 stars; one submission).

Conditions:
Familial melanoma. Also called: Hereditary melanoma; Hereditary cutaneous melanoma. Identifiers: Orphanet 618, MedGen C1512419, MONDO:0018961.

Submission:

Labcorp Genetics (formerly Invitae), Labcorp
Classification: Pathogenic for Familial melanoma. Last evaluated: 2022-03-01. Review status: criteria provided, single submitter. Criteria: Invitae Variant Classification Sherloc (09022015). Collection method: clinical testing. Allele origin: germline.
Comment: The CDKN2A gene encodes two different proteins, p16INK4a and p14ARF, which are translated from alternative transcripts with different open reading frames. Both transcripts have been analyzed. We report either the variant with the higher classification or default to the CDKN2A (p16INK4a) variant. This report therefore includes the details for the CDKN2A (p16INK4a) variant. This sequence change creates a premature translational stop signal (p.His66Glnfs*54) in the CDKN2A (p16INK4a) gene. It is expected to result in an absent or disrupted protein product. Loss-of-function variants in CDKN2A (p16INK4a) are known to be pathogenic (PMID: 15146471, 16905682). This variant is not present in population databases (gnomAD no frequency). This variant has not been reported in the literature in individuals affected with CDKN2A (p16INK4a)-related conditions. This variant is also known as c.240dup (p.Arg81Thrfs*80) in the CDKN2A (p14ARF) transcript. ClinVar contains an entry for this variant (Variation ID: 571109). For these reasons, this variant has been classified as Pathogenic. While the evidence indicates that this variant confers risk of developing CDKN2A (p16INK4a)-associated conditions, its association with risk for developing CDKN2A (p14ARF)-associated conditions is still unclear.

Literature cited by the submitters: PubMed 15146471; PubMed 16905682.